The following is an entry in ClinVar:

ClinVar aggregate classification (germline): Uncertain significance (1 of 4 stars; one submission).

Submission:

CeGaT Center for Human Genetics Tuebingen
Classification: Uncertain significance. Last evaluated: 2024-02-01. Review status: criteria provided, single submitter. Criteria: CeGaT Center For Human Genetics Tuebingen Variant Classification Criteria Version 2. Collection method: clinical testing. Allele origin: germline. Affected: yes. Observed: 1 variant allele.
Comment: TANC2: PM2, PP3

NM_001394998.1(TANC2):c.3980T>A (p.Leu1327Gln)

Genes: TANC2 (tetratricopeptide repeat, ankyrin repeat and coiled-coil containing 2; plus strand), LOC105371856 (uncharacterized LOC105371856; minus strand). Cytogenetic location: 17q23.3.
Variant type: single nucleotide variant.
Coding change: c.3980T>A on transcript NM_001394998.1 (MANE Select); coding-DNA position 3980, T replaced by A.
Protein change: p.Leu1327Gln; replaces leucine 1327 with glutamine.
Molecular consequence: missense variant.
Genome position (GRCh38, 1-based): chr17:63,413,594, T>A. VCF-style: chr17-63413594-T-A. GRCh37 (hg19) VCF-style: chr17-61490955-T-A.
Other names: c.3758T>A, p.Leu1253Gln (NM_001411076.1); c.3728T>A, p.Leu1243Gln (NM_025185.4); short protein forms L1243Q, L1253Q, L1327Q.
Identifiers: ClinVar variation 3027184 (VCV003027184.22), dbSNP rs2510489373, ClinGen allele CA400537860.